The following is an entry in ClinVar:

NM_000492.4(CFTR):c.3139+39del

Genes: CFTR (CF transmembrane conductance regulator; plus strand), CFTR-AS2 (CFTR antisense RNA 2; minus strand), LOC111674472 (DNase I hypersensitive sites in introns 16 and 17a of CFTR; plus strand). Cytogenetic location: 7q31.2.
Variant type: Deletion.
Coding change: c.3139+39del on transcript NM_000492.4 (MANE Select); 39 bases into the intron after coding-DNA position 3139, one base deleted (G; older notation c.3139+39delG).
Molecular consequence: intron variant.
Genome position (GRCh38, 1-based): chr7:117,610,708, G deleted. VCF-style (leftmost placement, unchanged base first): chr7-117610707-AG-A. GRCh37 (hg19) VCF-style: chr7-117250761-AG-A.
Other names: c.3139+39delG (NM_000492.3).
Identifiers: ClinVar variation 495925 (VCV000495925.1), dbSNP rs1554392063, ClinGen allele CA658683497.

ClinVar aggregate classification (germline): Uncertain significance (1 of 4 stars; one submission).

Allele frequency attached by ClinVar (database versions not stated): gnomAD exomes below 0.00001.

Submission:

Women's Health and Genetics/Laboratory Corporation of America, LabCorp
Classification: Uncertain significance. Last evaluated: 2017-06-26. Review status: criteria provided, single submitter. Criteria: LabCorp Variant Classification Summary - May 2015. Collection method: clinical testing. Allele origin: germline.
Comment: Variant summary: The CFTR c.3139+39delG variant involves the alteration of a non-conserved intronic nucleotide that 4/5 splice prediction tools predict no significant impact on normal splicing. However, these predictions have yet to be confirmed by functional studies. This variant is absent in 117756 control chromosomes (ExAC). The variant of interest has not, to our knowledge, been reported in affected individuals via publications and/or reputable databases/clinical diagnostic laboratories. Therefore, due to the location of the variant unlikely affecting splicing and the co-occurrence, the variant of interest has been classified as a "Variant of Uncertain Significance - Possibly Benign."